The following is an entry in ClinVar:

ClinVar aggregate classification (germline): Pathogenic. Review status: no assertion criteria provided (0 of 4 stars). 2 submissions from 2 submitters: Pathogenic (1). 1 of the submissions does not count toward it. Last evaluated 2000-02-01.

Conditions:
Familial long QT syndrome (RWS). Also called: Romano-Ward syndrome; VENTRICULAR FIBRILLATION WITH PROLONGED QT INTERVAL; Congenital long QT syndrome. Identifiers: Orphanet 768, MedGen C1141890, MONDO:0019171.
Long QT syndrome 2 (LQT2). Identifiers: Orphanet 101016, Orphanet 768, MedGen C3150943, MONDO:0013367, OMIM 613688.

Submissions (2):

OMIM
Classification: Pathogenic for LONG QT SYNDROME 2. Last evaluated: 2000-02-01. Review status: no assertion criteria provided. Collection method: literature only. Allele origin: germline.

Cardiovascular Biomedical Research Unit, Royal Brompton & Harefield NHS Foundation Trust
No classification provided. Condition: Familial long QT syndrome. Review status: no classification provided. Collection method: literature only. Allele origin: germline. Not counted in ClinVar's aggregate classification.
Comment: This variant has been reported as associated with Long QT syndrome in the following publications (PMID:10220146;PMID:10735633;PMID:11468227;PMID:11668638;PMID:20931094). This is a literature report, and does not necessarily reflect the clinical interpretation of the Imperial College / Royal Brompton Cardiovascular Genetics laboratory.

Literature cited by the submitters: PubMed 10735633 (cited by OMIM and Cardiovascular Biomedical Research Unit, Royal Brompton & Harefield NHS Foundation Trust); PubMed 10220146 (cited by Cardiovascular Biomedical Research Unit, Royal Brompton & Harefield NHS Foundation Trust); PubMed 11468227 (cited by Cardiovascular Biomedical Research Unit, Royal Brompton & Harefield NHS Foundation Trust); PubMed 11668638 (cited by Cardiovascular Biomedical Research Unit, Royal Brompton & Harefield NHS Foundation Trust); PubMed 20931094 (cited by Cardiovascular Biomedical Research Unit, Royal Brompton & Harefield NHS Foundation Trust); PubMed 22581653 (cited by Cardiovascular Biomedical Research Unit, Royal Brompton & Harefield NHS Foundation Trust).

NM_000238.4(KCNH2):c.1714G>C (p.Gly572Arg)

Gene: KCNH2 (potassium voltage-gated channel subfamily H member 2; minus strand). Cytogenetic location: 7q36.1.
Variant type: single nucleotide variant.
Coding change: c.1714G>C on transcript NM_000238.4 (MANE Select); coding-DNA position 1714, G replaced by C.
Protein change: p.Gly572Arg; replaces glycine 572 with arginine.
Molecular consequence: missense variant.
Genome position (GRCh38, 1-based): chr7:150,951,679, C>G on the plus strand (G>C on the coding strand, the complement: KCNH2 is on the minus strand). VCF-style: chr7-150951679-C-G. GRCh37 (hg19) VCF-style: chr7-150648767-C-G.
Other names: c.694G>C, p.Gly232Arg (NM_001204798.2, NM_172057.3); c.1426G>C, p.Gly476Arg (NM_001406753.1, NM_001406756.1); c.1537G>C, p.Gly513Arg (NM_001406755.1); c.1414G>C, p.Gly472Arg (NM_001406757.1); c.1714G>C, p.Gly572Arg (NM_172056.3); c.1714G>C (LRG_288t1); short protein forms G572R, G232R, G472R, G476R, G513R.
Identifiers: ClinVar variation 14429 (VCV000014429.3), dbSNP rs9333649, ClinGen allele CA005249.
Genomic context (GRCh38, chr7:150,951,679, plus strand): 5'-GGTCGCCCAGGTTGTGCAGCCAGCCGATGCGTGAGTCCATGTGTGGCTGCTCCATGTTGC[C>G]GATGGCGTACCAGATGCAGGCTAGCCAGTGCGCGATGAGCGCAAAGGTGCACATGAGCAA-3'
Protein context (NP_000229.1, residues 562-582): HWLACIWYAI[Gly572Arg]NMEQPHMDSR